The following is an entry in ClinVar:

ClinVar aggregate classification (germline): Uncertain significance (1 of 4 stars; one submission).

Conditions:
Benign neonatal seizures. Also called: Benign familial neonatal seizures; Benign neonatal familial convulsions; Convulsions benign familial neonatal dominant form; Autosomal dominant form of benign neonatal seizures; Benign familial neonatal epilepsy. Identifiers: Orphanet 1949, MedGen C0220669, MONDO:0016027.

gnomAD v4.1: 2 of 1,614,174 alleles (0.00012%); highest among the groups gnomAD compares: Non-Finnish European, 0.00017%; no homozygotes.

Submission:

Labcorp Genetics (formerly Invitae), Labcorp
Classification: Uncertain significance for Benign neonatal seizures. Last evaluated: 2023-10-12. Review status: criteria provided, single submitter. Criteria: Invitae Variant Classification Sherloc (09022015). Collection method: clinical testing. Allele origin: germline.
Comment: This sequence change replaces arginine, which is basic and polar, with tryptophan, which is neutral and slightly polar, at codon 239 of the KCNQ3 protein (p.Arg239Trp). This variant is not present in population databases (gnomAD no frequency). This variant has not been reported in the literature in individuals affected with KCNQ3-related conditions. Advanced modeling of protein sequence and biophysical properties (such as structural, functional, and spatial information, amino acid conservation, physicochemical variation, residue mobility, and thermodynamic stability) performed at Invitae indicates that this missense variant is not expected to disrupt KCNQ3 protein function. In summary, the available evidence is currently insufficient to determine the role of this variant in disease. Therefore, it has been classified as a Variant of Uncertain Significance.

NM_004519.4(KCNQ3):c.715C>T (p.Arg239Trp)

Gene: KCNQ3 (potassium voltage-gated channel subfamily Q member 3; minus strand). Cytogenetic location: 8q24.22.
Variant type: single nucleotide variant.
Coding change: c.715C>T on transcript NM_004519.4 (MANE Select); coding-DNA position 715, C replaced by T.
Protein change: p.Arg239Trp; replaces arginine 239 with tryptophan.
Molecular consequence: missense variant.
Genome position (GRCh38, 1-based): chr8:132,180,219, G>A on the plus strand (C>T on the coding strand, the complement: KCNQ3 is on the minus strand). VCF-style: chr8-132180219-G-A. GRCh37 (hg19) VCF-style: chr8-133192466-G-A.
Other names: c.355C>T, p.Arg119Trp (NM_001204824.2); short protein forms R119W, R239W.
Identifiers: ClinVar variation 2870241 (VCV002870241.3), dbSNP rs1438793695, ClinGen allele CA372290786.